The following is an entry in ClinVar:

ClinVar aggregate classification (germline): Pathogenic (1 of 4 stars; one submission).

Submission:

Labcorp Genetics (formerly Invitae), Labcorp
Classification: Pathogenic. Last evaluated: 2024-11-09. Review status: criteria provided, single submitter. Criteria: Invitae Variant Classification Sherloc (09022015). Collection method: clinical testing. Allele origin: germline.
Comment: This sequence change creates a premature translational stop signal (p.Val37Glufs*17) in the ABCB4 gene. It is expected to result in an absent or disrupted protein product. Loss-of-function variants in ABCB4 are known to be pathogenic (PMID: 17726488, 25755532). This variant is not present in population databases (gnomAD no frequency). This variant has not been reported in the literature in individuals affected with ABCB4-related conditions. For these reasons, this variant has been classified as Pathogenic.

Literature cited by the submitters: PubMed 17726488; PubMed 25755532.

NM_000443.4(ABCB4):c.108_109del (p.Val37fs)

Gene: ABCB4 (ATP binding cassette subfamily B member 4; minus strand). Cytogenetic location: 7q21.12.
Variant type: Deletion.
Coding change: c.108_109del on transcript NM_000443.4 (MANE Select); coding-DNA positions 108 to 109, 2 bases deleted (AG; older notation c.108_109delAG).
Protein change: p.Val37fs; shifts the reading frame from valine 37.
Molecular consequence: frameshift variant.
Genome position (GRCh38, 1-based): chr7:87,472,647-87,472,648, CT deleted on the plus strand (AG on the coding strand, the reverse complement: ABCB4 is on the minus strand). VCF-style (leftmost placement, unchanged base first): chr7-87472646-ACT-A. GRCh37 (hg19) VCF-style: chr7-87101962-ACT-A.
Other names: c.108_109del, p.Val37fs (NM_018849.3, NM_018850.3); short protein forms V37fs.
Identifiers: ClinVar variation 3724906 (VCV003724906.2).